The following is an entry in ClinVar:

NM_004523.4(KIF11):c.1075A>G (p.Ile359Val)

Gene: KIF11 (kinesin family member 11; plus strand). Cytogenetic location: 10q23.33.
Variant type: single nucleotide variant.
Coding change: c.1075A>G on transcript NM_004523.4 (MANE Select); coding-DNA position 1075, A replaced by G.
Protein change: p.Ile359Val; replaces isoleucine 359 with valine.
Molecular consequence: missense variant.
Genome position (GRCh38, 1-based): chr10:92,616,779, A>G. VCF-style: chr10-92616779-A-G. GRCh37 (hg19) VCF-style: chr10-94376536-A-G.
Other names: short protein forms I359V.
Identifiers: ClinVar variation 1337099 (VCV001337099.14), dbSNP rs1457816296, ClinGen allele CA377590809.
Genomic context (GRCh38, chr10:92,616,779, plus strand): 5'-CTTTCCTTTCCATGACAGGAAACTCTGAGTACATTGGAATATGCTCATAGAGCAAAGAAC[A>G]TATTGAATAAGCCTGAAGTGAATCAGAAACTCACCAAAAAAGCTCTTATTAAGGTAACTG-3'
Protein context (NP_004514.2, residues 349-369): TLEYAHRAKN[Ile359Val]LNKPEVNQKL

ClinVar aggregate classification (germline): Uncertain significance. Review status: criteria provided, multiple submitters, no conflicts (2 of 4 stars). 5 submissions from 5 submitters: Uncertain significance (5). Last evaluated 2026-04-15.

Conditions:
KIF11-related disorder. Also called: KIF11-related condition.
Inborn genetic diseases. Identifiers: MedGen C0950123, MeSH D030342.

Allele frequency attached by ClinVar (database versions not stated): gnomAD exomes below 0.00001; gnomAD 0.00001.
gnomAD v4.1: 5 of 1,608,100 alleles (0.00031%); highest among the groups gnomAD compares: Non-Finnish European, 0.00042%; no homozygotes.

Submissions (5):

PreventionGenetics, part of Exact Sciences
Classification: Uncertain significance for KIF11-related condition. Last evaluated: 2026-04-15. Review status: criteria provided, single submitter. Criteria: ACMG Guidelines, 2015. Collection method: clinical testing. Allele origin: germline.
Comment: The KIF11 c.1075A>G variant is predicted to result in the amino acid substitution p.Ile359Val. To our knowledge, this variant has not been reported in the literature. This variant is reported in 0.00089% of alleles in individuals of European (Non-Finnish) descent in gnomAD. At this time, the clinical significance of this variant is uncertain due to the absence of conclusive functional and genetic evidence.

Ambry Genetics
Classification: Uncertain significance for Inborn genetic diseases. Last evaluated: 2025-01-29. Review status: criteria provided, single submitter. Criteria: Ambry Variant Classification Scheme 2023. Collection method: clinical testing. Allele origin: germline.

Labcorp Genetics (formerly Invitae), Labcorp
Classification: Uncertain significance. Last evaluated: 2022-03-10. Review status: criteria provided, single submitter. Criteria: Invitae Variant Classification Sherloc (09022015). Collection method: clinical testing. Allele origin: germline.
Comment: In summary, the available evidence is currently insufficient to determine the role of this variant in disease. Therefore, it has been classified as a Variant of Uncertain Significance. Algorithms developed to predict the effect of missense changes on protein structure and function (SIFT, PolyPhen-2, Align-GVGD) all suggest that this variant is likely to be disruptive. This variant has not been reported in the literature in individuals affected with KIF11-related conditions. This variant is present in population databases (no rsID available, gnomAD 0.0009%). This sequence change replaces isoleucine, which is neutral and non-polar, with valine, which is neutral and non-polar, at codon 359 of the KIF11 protein (p.Ile359Val).

Blueprint Genetics
Classification: Uncertain significance. Last evaluated: 2021-07-30. Review status: criteria provided, single submitter. Criteria: ACMG Guidelines, 2015. Collection method: clinical testing. Allele origin: germline.

Genetic Services Laboratory, University of Chicago
Classification: Uncertain significance. Last evaluated: 2019-11-20. Review status: criteria provided, single submitter. Criteria: ACMG Guidelines, 2015. Collection method: clinical testing. Allele origin: germline. Affected: no.